The following is an entry in ClinVar:

ClinVar aggregate classification (germline): Uncertain significance (1 of 4 stars; one submission).

Conditions:
Kabuki syndrome. Also called: Kabuki make-up syndrome; NIIKAWA-KUROKI SYNDROME. Identifiers: Orphanet 2322, MedGen C0796004, MONDO:0016512.

gnomAD v4.1: 1 of 1,598,650 alleles (0.000063%); highest among the groups gnomAD compares: South Asian, 0.0011%; no homozygotes.

Submission:

Labcorp Genetics (formerly Invitae), Labcorp
Classification: Uncertain significance for Kabuki syndrome. Last evaluated: 2024-11-13. Review status: criteria provided, single submitter. Criteria: Invitae Variant Classification Sherloc (09022015). Collection method: clinical testing. Allele origin: germline.
Comment: This sequence change replaces proline, which is neutral and non-polar, with threonine, which is neutral and polar, at codon 2258 of the KMT2D protein (p.Pro2258Thr). This variant is not present in population databases (gnomAD no frequency). This variant has not been reported in the literature in individuals affected with KMT2D-related conditions. ClinVar contains an entry for this variant (Variation ID: 2801917). Invitae Evidence Modeling of protein sequence and biophysical properties (such as structural, functional, and spatial information, amino acid conservation, physicochemical variation, residue mobility, and thermodynamic stability) indicates that this missense variant is not expected to disrupt KMT2D protein function with a negative predictive value of 95%. In summary, the available evidence is currently insufficient to determine the role of this variant in disease. Therefore, it has been classified as a Variant of Uncertain Significance.

NM_003482.4(KMT2D):c.6772C>A (p.Pro2258Thr)

Gene: KMT2D (lysine methyltransferase 2D; minus strand). Cytogenetic location: 12q13.12.
Variant type: single nucleotide variant.
Coding change: c.6772C>A on transcript NM_003482.4 (MANE Select); coding-DNA position 6772, C replaced by A.
Protein change: p.Pro2258Thr; replaces proline 2258 with threonine.
Molecular consequence: missense variant.
Genome position (GRCh38, 1-based): chr12:49,040,998, G>T on the plus strand (C>A on the coding strand, the complement: KMT2D is on the minus strand). VCF-style: chr12-49040998-G-T. GRCh37 (hg19) VCF-style: chr12-49434781-G-T.
Other names: short protein forms P2258T.
Identifiers: ClinVar variation 2801917 (VCV002801917.3), dbSNP rs770272063, ClinGen allele CA384749735.